The following is an entry in ClinVar:

ClinVar aggregate classification (germline): Uncertain significance. Review status: criteria provided, multiple submitters, no conflicts (2 of 4 stars). 4 submissions from 4 submitters: Uncertain significance (4). Last evaluated 2025-06-06.

Conditions:
Inborn genetic diseases. Identifiers: MedGen C0950123, MeSH D030342.
ALG12-congenital disorder of glycosylation (CDG1G). Also called: CDG Ig; Congenital disorder of glycosylation, type Ig; ALG12-CDG. Identifiers: Orphanet 79324, MedGen C2931001, MONDO:0011783, OMIM 607143.

Allele frequency attached by ClinVar (database versions not stated): gnomAD 0.00009 and 0.00010; TOPMed 0.00015; ESP Exome Variant Server 0.00023.
gnomAD v4.1: 68 of 1,614,106 alleles (0.0042%); highest among the groups gnomAD compares: African/African-American, 0.025%; no homozygotes.

Submissions (4):

Clinical Genomics Laboratory, Washington University in St. Louis
Classification: Uncertain significance for ALG12-congenital disorder of glycosylation. Last evaluated: 2025-06-06. Review status: criteria provided, single submitter. Criteria: ACMG Guidelines, 2015. Collection method: clinical testing. Allele origin: germline.
Comment: The ALG12 c.1158G>C (p.Gln386His) variant, to our knowledge, has not been reported in the medical literature but has been reported in the ClinVar database as a germline variant of uncertain significance by three submitters (ClinVar Variation ID: 900014). This variant is only observed on 68/1,614,106 alleles in the general population (gnomAD v.4.1.0), indicating it is not a common variant. Computational predictors suggest that the variant does not impact ALG12 function. Due to limited information, and based on ACMG/AMP guidelines for variant interpretation (Richards S et al., PMID: 25741868), the clinical significance of this variant is uncertain at this time.

Labcorp Genetics (formerly Invitae), Labcorp
Classification: Uncertain significance for ALG12-congenital disorder of glycosylation. Last evaluated: 2022-10-17. Review status: criteria provided, single submitter. Criteria: Invitae Variant Classification Sherloc (09022015). Collection method: clinical testing. Allele origin: germline.
Comment: This sequence change replaces glutamine, which is neutral and polar, with histidine, which is basic and polar, at codon 386 of the ALG12 protein (p.Gln386His). This variant is present in population databases (rs372390738, gnomAD 0.04%). This variant has not been reported in the literature in individuals affected with ALG12-related conditions. ClinVar contains an entry for this variant (Variation ID: 900014). Advanced modeling of protein sequence and biophysical properties (such as structural, functional, and spatial information, amino acid conservation, physicochemical variation, residue mobility, and thermodynamic stability) performed at Invitae indicates that this missense variant is not expected to disrupt ALG12 protein function. In summary, the available evidence is currently insufficient to determine the role of this variant in disease. Therefore, it has been classified as a Variant of Uncertain Significance.

Ambry Genetics
Classification: Uncertain significance for Inborn genetic diseases. Last evaluated: 2021-06-11. Review status: criteria provided, single submitter. Criteria: Ambry Variant Classification Scheme 2023. Collection method: clinical testing. Allele origin: germline.

Illumina Laboratory Services, Illumina
Classification: Uncertain significance for ALG12-congenital disorder of glycosylation. Last evaluated: 2018-01-13. Review status: criteria provided, single submitter. Criteria: ICSL Variant Classification Criteria 13 December 2019. Collection method: clinical testing. Allele origin: germline.

NM_024105.4(ALG12):c.1158G>C (p.Gln386His)

Gene: ALG12 (ALG12 alpha-1,6-mannosyltransferase; minus strand). Cytogenetic location: 22q13.33.
Variant type: single nucleotide variant.
Coding change: c.1158G>C on transcript NM_024105.4 (MANE Select); coding-DNA position 1158, G replaced by C.
Protein change: p.Gln386His; replaces glutamine 386 with histidine.
Molecular consequence: missense variant.
Genome position (GRCh38, 1-based): chr22:49,904,341, C>G on the plus strand (G>C on the coding strand, the complement: ALG12 is on the minus strand). VCF-style: chr22-49904341-C-G. GRCh37 (hg19) VCF-style: chr22-50297989-C-G.
Other names: short protein forms Q386H.
Identifiers: ClinVar variation 900014 (VCV000900014.8), dbSNP rs372390738, ClinGen allele CA10300326.